The following is an entry in ClinVar:

NM_001447.3(FAT2):c.3290G>C (p.Arg1097Pro)

Gene: FAT2 (FAT atypical cadherin 2; minus strand). Cytogenetic location: 5q33.1.
Variant type: single nucleotide variant.
Coding change: c.3290G>C on transcript NM_001447.3 (MANE Select); coding-DNA position 3290, G replaced by C.
Protein change: p.Arg1097Pro; replaces arginine 1097 with proline.
Molecular consequence: missense variant.
Genome position (GRCh38, 1-based): chr5:151,563,609, C>G on the plus strand (G>C on the coding strand, the complement: FAT2 is on the minus strand). VCF-style: chr5-151563609-C-G. GRCh37 (hg19) VCF-style: chr5-150943170-C-G.
Other names: short protein forms R1097P.
Identifiers: ClinVar variation 4752109 (VCV004752109.1).

ClinVar aggregate classification (germline): Uncertain significance (1 of 4 stars; one submission).

Submission:

Labcorp Genetics (formerly Invitae), Labcorp
Classification: Uncertain significance. Last evaluated: 2025-04-21. Review status: criteria provided, single submitter. Criteria: Invitae Variant Classification Sherloc (09022015). Collection method: clinical testing. Allele origin: germline.
Comment: This sequence change replaces arginine, which is basic and polar, with proline, which is neutral and non-polar, at codon 1097 of the FAT2 protein (p.Arg1097Pro). This variant is not present in population databases (gnomAD no frequency). This variant has not been reported in the literature in individuals affected with FAT2-related conditions. An algorithm developed to predict the effect of missense changes on protein structure and function (PolyPhen-2) suggests that this variant is likely to be disruptive. In summary, the available evidence is currently insufficient to determine the role of this variant in disease. Therefore, it has been classified as a Variant of Uncertain Significance.